The following is an entry in ClinVar:

NM_032043.3(BRIP1):c.612C>T (p.Ser204=)

Gene: BRIP1 (BRCA1 interacting DNA helicase 1; minus strand). Cytogenetic location: 17q23.2.
Variant type: single nucleotide variant.
Coding change: c.612C>T on transcript NM_032043.3 (MANE Select); coding-DNA position 612, C replaced by T.
Protein change: p.Ser204=; no amino-acid change (serine 204 retained).
Molecular consequence: synonymous variant.
Genome position (GRCh38, 1-based): chr17:61,847,116, G>A on the plus strand (C>T on the coding strand, the complement: BRIP1 is on the minus strand). VCF-style: chr17-61847116-G-A. GRCh37 (hg19) VCF-style: chr17-59924477-G-A.
Identifiers: ClinVar variation 1751772 (VCV001751772.6), dbSNP rs587780832, ClinGen allele CA501150608.

ClinVar aggregate classification (germline): Benign/Likely benign. Review status: criteria provided, multiple submitters, no conflicts (2 of 4 stars). 3 submissions from 3 submitters: Benign (1); Likely benign (2). Last evaluated 2026-01-06.

Conditions:
Familial cancer of breast. Also called: BREAST CANCER, FAMILIAL; Hereditary breast cancer; hereditary breast carcinoma. Identifiers: Orphanet 227535, MedGen C0346153, MONDO:0016419, OMIM 114480. Disease mechanism: loss of function.
Hereditary cancer-predisposing syndrome. Also called: Neoplastic Syndromes, Hereditary; Tumor predisposition; Hereditary neoplastic syndrome; Hereditary Cancer Syndrome. Identifiers: Orphanet 140162, MedGen C0027672, MeSH D009386, MONDO:0015356.
Fanconi anemia complementation group J. Also called: BRIP1-Related Fanconi Anemia. Identifiers: Orphanet 84, MedGen C1836860, MONDO:0012187, OMIM 609054.

gnomAD v4.1: 4 of 1,613,876 alleles (0.00025%); highest among the groups gnomAD compares: Non-Finnish European, 0.00034%; no homozygotes.

Submissions (3):

Labcorp Genetics (formerly Invitae), Labcorp
Classification: Likely benign for Familial cancer of breast; Fanconi anemia complementation group J. Last evaluated: 2026-01-06. Review status: criteria provided, single submitter. Criteria: Invitae Variant Classification Sherloc (09022015). Collection method: clinical testing. Allele origin: germline.

Myriad Genetics, Inc.
Classification: Benign for Familial cancer of breast. Last evaluated: 2024-08-21. Review status: criteria provided, single submitter. Criteria: Myriad Autosomal Dominant, Autosomal Recessive and X-Linked Classification Criteria (2023). Collection method: clinical testing. Allele origin: unknown.
Comment: This variant is considered benign. This variant is a silent/synonymous amino acid change and it is not expected to impact splicing.

Ambry Genetics
Classification: Likely benign for Hereditary cancer-predisposing syndrome. Last evaluated: 2015-10-18. Review status: criteria provided, single submitter. Criteria: Ambry Variant Classification Scheme 2023. Collection method: clinical testing. Allele origin: germline.